The following is an entry in ClinVar:

NM_181332.3(NLGN4X):c.1176C>A (p.Pro392=)

Gene: NLGN4X (neuroligin 4 X-linked; minus strand). Cytogenetic location: Xp22.32.
Variant type: single nucleotide variant.
Coding change: c.1176C>A on transcript NM_181332.3 (MANE Select); coding-DNA position 1176, C replaced by A.
Protein change: p.Pro392=; no amino-acid change (proline 392 retained).
Molecular consequence: synonymous variant.
Genome position (GRCh38, 1-based): chrX:5,903,502, G>T on the plus strand (C>A on the coding strand, the complement: NLGN4X is on the minus strand). VCF-style: chrX-5903502-G-T. GRCh37 (hg19) VCF-style: chrX-5821543-G-T.
Other names: c.1176C>A, p.Pro392= (NM_001282145.2, NM_001282146.2, NM_020742.4).
Identifiers: ClinVar variation 3034884 (VCV003034884.2), dbSNP rs768267134, ClinGen allele CA10341059.
Genomic context (GRCh38, chrX:5,903,502, plus strand): 5'-CCCTTCAGGGTAGCCGTAAAGGTTGTCCACGAAGTTGGACACGGAGAAGTCAAAGTCGTT[G>T]GGCGTCACACCGTCCTCGTTATCCACGATGCCGTCCACGAACTTCAGGCCTTCCCCTTGG-3'
Protein context (NP_851849.1, residues 382-402): GIVDNEDGVT[Pro392=]NDFDFSVSNF

ClinVar aggregate classification (germline): Likely benign (0 of 4 stars; one submission).

Conditions:
NLGN4X-related disorder. Also called: NLGN4X-related condition.

Allele frequency attached by ClinVar (database versions not stated): gnomAD exomes 0.00001.
gnomAD v4.1: 6 of 1,207,803 alleles (0.0005%); highest among the groups gnomAD compares: Non-Finnish European, 0.00067%; no homozygotes.

Submission:

PreventionGenetics, part of Exact Sciences
Classification: Likely benign for NLGN4X-related condition. Last evaluated: 2019-08-06. Review status: no assertion criteria provided. Collection method: clinical testing. Allele origin: germline.
Comment: This variant is classified as likely benign based on ACMG/AMP sequence variant interpretation guidelines (Richards et al. 2015 PMID: 25741868, with internal and published modifications).